The following is an entry in ClinVar:

NM_021167.5(GATAD1):c.701C>A (p.Ser234Ter)

Gene: GATAD1 (GATA zinc finger domain containing 1; plus strand). Cytogenetic location: 7q21.2.
Variant type: single nucleotide variant.
Coding change: c.701C>A on transcript NM_021167.5 (MANE Select); coding-DNA position 701, C replaced by A.
Protein change: p.Ser234Ter; replaces serine 234 with a stop codon.
Molecular consequence: nonsense. On other transcripts: non-coding transcript variant (1).
Genome position (GRCh38, 1-based): chr7:92,456,453, C>A. VCF-style: chr7-92456453-C-A. GRCh37 (hg19) VCF-style: chr7-92085767-C-A.
Other names: short protein forms S234*.
Identifiers: ClinVar variation 1756710 (VCV001756710.4), dbSNP rs766384408, ClinGen allele CA4340357.
Genomic context (GRCh38, chr7:92,456,453, plus strand): 5'-GGAAGATGGAATACTTGGAATTTGTTTGTCATGCACCTTCTGAGTATTTCAAGTCACGGT[C>A]ATCACCATTTCCCACAGTTCCCACCAGACCAGAGAAGGGCTACATATGGACTCATGTTGG-3'

ClinVar aggregate classification (germline): Uncertain significance. Review status: criteria provided, multiple submitters, no conflicts (2 of 4 stars). 2 submissions from 2 submitters: Uncertain significance (2). Last evaluated 2024-02-01.

Conditions:
Cardiovascular phenotype. Identifiers: MedGen CN230736.
Dilated cardiomyopathy 2B. Identifiers: Orphanet 154, MedGen C3553409, MONDO:0013848, OMIM 614672.

Allele frequency attached by ClinVar (database versions not stated): gnomAD 0.00001; gnomAD exomes 0.00001; TOPMed 0.00001.
gnomAD v4.1: 15 of 1,611,596 alleles (0.00093%); highest among the groups gnomAD compares: Non-Finnish European, 0.00093%; no homozygotes.

Submissions (2):

Labcorp Genetics (formerly Invitae), Labcorp
Classification: Uncertain significance for Dilated cardiomyopathy 2B. Last evaluated: 2024-02-01. Review status: criteria provided, single submitter. Criteria: Invitae Variant Classification Sherloc (09022015). Collection method: clinical testing. Allele origin: germline.
Comment: This sequence change creates a premature translational stop signal (p.Ser234*) in the GATAD1 gene. While this is not anticipated to result in nonsense mediated decay, it is expected to disrupt the last 36 amino acid(s) of the GATAD1 protein. This variant is present in population databases (rs766384408, gnomAD 0.005%). This variant has not been reported in the literature in individuals affected with GATAD1-related conditions. ClinVar contains an entry for this variant (Variation ID: 1756710). Algorithms developed to predict the effect of sequence changes on RNA splicing suggest that this variant may create or strengthen a splice site. In summary, the available evidence is currently insufficient to determine the role of this variant in disease. Therefore, it has been classified as a Variant of Uncertain Significance.

Ambry Genetics
Classification: Uncertain significance for Cardiovascular phenotype. Last evaluated: 2020-03-18. Review status: criteria provided, single submitter. Criteria: Ambry Variant Classification Scheme 2023. Collection method: clinical testing. Allele origin: germline.
Comment: The p.S234* variant (also known as c.701C>A), located in coding exon 5 of the GATAD1 gene, results from a C to A substitution at nucleotide position 701. This changes the amino acid from a serine to a stop codon within coding exon 5. This alteration is expected to result in premature protein truncation or nonsense-mediated mRNA decay. However, loss of function of GATAD1 has not been clearly established as a mechanism of disease. Since supporting evidence is limited at this time, the clinical significance of this alteration remains unclear.